The following is an entry in ClinVar:

ClinVar aggregate classification (germline): Uncertain significance (1 of 4 stars; one submission).

Conditions:
Cohen syndrome (COH1). Also called: PEPPER SYNDROME; Cutis verticis gyrata, retinitis pigmentosa, and sensorineural deafness. Identifiers: Orphanet 193, MedGen C0265223, MONDO:0008999, OMIM 216550.

Submission:

Labcorp Genetics (formerly Invitae), Labcorp
Classification: Uncertain significance for Cohen syndrome. Last evaluated: 2024-02-24. Review status: criteria provided, single submitter. Criteria: Invitae Variant Classification Sherloc (09022015). Collection method: clinical testing. Allele origin: germline.
Comment: This sequence change replaces alanine, which is neutral and non-polar, with valine, which is neutral and non-polar, at codon 2578 of the VPS13B protein (p.Ala2578Val). This variant is not present in population databases (gnomAD no frequency). This variant has not been reported in the literature in individuals affected with VPS13B-related conditions. ClinVar contains an entry for this variant (Variation ID: 1414752). Advanced modeling of protein sequence and biophysical properties (such as structural, functional, and spatial information, amino acid conservation, physicochemical variation, residue mobility, and thermodynamic stability) performed at Invitae indicates that this missense variant is expected to disrupt VPS13B protein function with a positive predictive value of 80%. In summary, the available evidence is currently insufficient to determine the role of this variant in disease. Therefore, it has been classified as a Variant of Uncertain Significance.

NM_152564.5(VPS13B):c.7658C>T (p.Ala2553Val)

Gene: VPS13B (vacuolar protein sorting 13 homolog B; plus strand). Cytogenetic location: 8q22.2.
Variant type: single nucleotide variant.
Coding change: c.7658C>T on transcript NM_152564.5 (MANE Select); coding-DNA position 7658, C replaced by T.
Protein change: p.Ala2553Val; replaces alanine 2553 with valine.
Molecular consequence: missense variant.
Genome position (GRCh38, 1-based): chr8:99,778,910, C>T. VCF-style: chr8-99778910-C-T. GRCh37 (hg19) VCF-style: chr8-100791138-C-T.
Other names: c.7733C>T, p.Ala2578Val (NM_017890.5); short protein forms A2553V, A2578V.
Identifiers: ClinVar variation 1414752 (VCV001414752.6), dbSNP rs2130679255, ClinGen allele CA371876446.